The following is an entry in ClinVar:

ClinVar aggregate classification (germline): Uncertain significance (1 of 4 stars; one submission).

Conditions:
Deafness-lymphedema-leukemia syndrome. Also called: Lymphedema, primary, with myelodysplasia; Emberger syndrome. Identifiers: Orphanet 3226, MedGen C3279664, MONDO:0013540, OMIM 614038.
Monocytopenia with susceptibility to infections. Also called: Dendritic cell, monocyte, B lymphocyte, and natural killer lymphocyte deficiency; MONOCYTOPENIA AND MYCOBACTERIAL INFECTION SYNDROME; MONOCYTOPENIA WITH SUSCEPTIBILITY TO MYCOBACTERIAL, FUNGAL, AND PAPILLOMAVIRUS INFECTIONS AND MYELODYSPLASIA; COMBINED IMMUNODEFICIENCY WITH SUSCEPTIBILITY TO MYCOBACTERIAL, VIRAL, AND FUNGAL INFECTIONS; IMMUNODEFICIENCY 21; GATA2 DEFICIENCY. Identifiers: Orphanet 228423, MedGen C3280030, MONDO:0013607, OMIM 614172.

Submission:

Labcorp Genetics (formerly Invitae), Labcorp
Classification: Uncertain significance for Monocytopenia with susceptibility to infections; Deafness-lymphedema-leukemia syndrome. Last evaluated: 2022-09-21. Review status: criteria provided, single submitter. Criteria: Invitae Variant Classification Sherloc (09022015). Collection method: clinical testing. Allele origin: germline.
Comment: In summary, the available evidence is currently insufficient to determine the role of this variant in disease. Therefore, it has been classified as a Variant of Uncertain Significance. Variants that disrupt the consensus splice site are a relatively common cause of aberrant splicing (PMID: 17576681, 9536098). Algorithms developed to predict the effect of sequence changes on RNA splicing suggest that this variant is not likely to affect RNA splicing. ClinVar contains an entry for this variant (Variation ID: 849479). This variant has not been reported in the literature in individuals affected with GATA2-related conditions. This variant is not present in population databases (gnomAD no frequency). This sequence change falls in intron 3 of the GATA2 gene. It does not directly change the encoded amino acid sequence of the GATA2 protein. It affects a nucleotide within the consensus splice site.

Literature cited by the submitters: PubMed 17576681; PubMed 9536098.

NM_032638.5(GATA2):c.871+4A>G

Gene: GATA2 (GATA binding protein 2; minus strand). Cytogenetic location: 3q21.3.
Variant type: single nucleotide variant.
Coding change: c.871+4A>G on transcript NM_032638.5 (MANE Select); 4 bases into the intron after coding-DNA position 871, A replaced by G.
Molecular consequence: intron variant.
Genome position (GRCh38, 1-based): chr3:128,485,723, T>C on the plus strand (A>G on the coding strand, the complement: GATA2 is on the minus strand). VCF-style: chr3-128485723-T-C. GRCh37 (hg19) VCF-style: chr3-128204566-T-C.
Other names: c.871+4A>G (NM_001145662.1, NM_001145661.2).
Identifiers: ClinVar variation 849479 (VCV000849479.9), dbSNP rs2068685346, ClinGen allele CA916081442.